The following is an entry in ClinVar:

NM_000077.5(CDKN2A):c.97G>A (p.Glu33Lys)

Gene: CDKN2A (cyclin dependent kinase inhibitor 2A; minus strand). Cytogenetic location: 9p21.3.
Variant type: single nucleotide variant.
Coding change: c.97G>A on transcript NM_000077.5; coding-DNA position 97, G replaced by A.
Protein change: p.Glu33Lys; replaces glutamic acid 33 with lysine.
Molecular consequence: missense variant (on NM_000077.6). On other transcripts: intron variant (2).
Genome position (GRCh38, 1-based): chr9:21,974,731, C>T on the plus strand (G>A on the coding strand, the complement: CDKN2A is on the minus strand). VCF-style: chr9-21974731-C-T. GRCh37 (hg19) VCF-style: chr9-21974730-C-T.
Other names: c.97G>A, p.Glu33Lys (NM_000077.6, NM_001195132.2, NM_058197.5); c.-3-3523G>A (NM_001363763.2); c.194-3523G>A (NM_058195.4); short protein forms E33K.
Identifiers: ClinVar variation 2809872 (VCV002809872.4), dbSNP rs1819951388, ClinGen allele CA373086572.

ClinVar aggregate classification (germline): Uncertain significance. Review status: criteria provided, multiple submitters, no conflicts (2 of 4 stars). 2 submissions from 2 submitters: Uncertain significance (2). Last evaluated 2025-12-16.

Conditions:
Familial melanoma. Also called: Hereditary melanoma; Hereditary cutaneous melanoma. Identifiers: Orphanet 618, MedGen C1512419, MONDO:0018961.
Hereditary cancer-predisposing syndrome. Also called: Hereditary Cancer Syndrome; Tumor predisposition; Hereditary neoplastic syndrome; Neoplastic Syndromes, Hereditary. Identifiers: Orphanet 140162, MedGen C0027672, MeSH D009386, MONDO:0015356.

Submissions (2):

Ambry Genetics
Classification: Uncertain significance for Hereditary cancer-predisposing syndrome. Last evaluated: 2025-12-16. Review status: criteria provided, single submitter. Criteria: Ambry Variant Classification Scheme 2023. Collection method: clinical testing. Allele origin: germline.
Comment: The p.E33K variant (also known as c.97G>A), located in coding exon 1 of the CDKN2A gene, results from a G to A substitution at nucleotide position 97. The glutamic acid at codon 33 is replaced by lysine, an amino acid with similar properties. This amino acid position is not well conserved in available vertebrate species. In addition, this alteration is predicted to be tolerated by in silico analysis. Based on the available evidence, the clinical significance of this variant remains unclear.

Labcorp Genetics (formerly Invitae), Labcorp
Classification: Uncertain significance for Familial melanoma. Last evaluated: 2022-10-28. Review status: criteria provided, single submitter. Criteria: Invitae Variant Classification Sherloc (09022015). Collection method: clinical testing. Allele origin: germline.
Comment: In summary, the available evidence is currently insufficient to determine the role of this variant in disease. Therefore, it has been classified as a Variant of Uncertain Significance. Algorithms developed to predict the effect of missense changes on protein structure and function are either unavailable or do not agree on the potential impact of this missense change (SIFT: "Tolerated"; PolyPhen-2: "Possibly Damaging"; Align-GVGD: "Class C0"). This variant has not been reported in the literature in individuals affected with CDKN2A (p16INK4a)-related conditions. This variant is not present in population databases (gnomAD no frequency). This sequence change replaces glutamic acid, which is acidic and polar, with lysine, which is basic and polar, at codon 33 of the CDKN2A (p16INK4a) protein (p.Glu33Lys).